The following is an entry in ClinVar:

NM_004211.5(SLC6A5):c.1884G>A (p.Met628Ile)

Gene: SLC6A5 (solute carrier family 6 member 5; plus strand). Cytogenetic location: 11p15.1.
Variant type: single nucleotide variant.
Coding change: c.1884G>A on transcript NM_004211.5 (MANE Select); coding-DNA position 1884, G replaced by A.
Protein change: p.Met628Ile; replaces methionine 628 with isoleucine.
Molecular consequence: missense variant.
Genome position (GRCh38, 1-based): chr11:20,638,473, G>A. VCF-style: chr11-20638473-G-A. GRCh37 (hg19) VCF-style: chr11-20660019-G-A.
Other names: c.1884G>A (NM_004211.3); c.1182G>A, p.Met394Ile (NM_001318369.2); short protein forms M394I, M628I.
Identifiers: ClinVar variation 1402212 (VCV001402212.5), dbSNP rs979821579, ClinGen allele CA218746115.

ClinVar aggregate classification (germline): Uncertain significance. Review status: criteria provided, multiple submitters, no conflicts (2 of 4 stars). 2 submissions from 2 submitters: Uncertain significance (2). Last evaluated 2024-06-17.

Conditions:
Inborn genetic diseases. Identifiers: MedGen C0950123, MeSH D030342.
Hyperekplexia 3 (HKPX3). Also called: HYPEREKPLEXIA 3, AUTOSOMAL RECESSIVE; HYPEREKPLEXIA 3, AUTOSOMAL DOMINANT. Identifiers: Orphanet 3197, MedGen C3553288, MONDO:0013827, OMIM 614618.

Allele frequency attached by ClinVar (database versions not stated): gnomAD exomes below 0.00001 and 0.00001; gnomAD 0.00001; TOPMed 0.00001.
gnomAD v4.1: 14 of 1,611,308 alleles (0.00087%); highest among the groups gnomAD compares: Middle Eastern, 0.016%; no homozygotes.

Submissions (2):

Labcorp Genetics (formerly Invitae), Labcorp
Classification: Uncertain significance for Hyperekplexia 3. Last evaluated: 2024-06-17. Review status: criteria provided, single submitter. Criteria: Invitae Variant Classification Sherloc (09022015). Collection method: clinical testing. Allele origin: germline.
Comment: This sequence change replaces methionine, which is neutral and non-polar, with isoleucine, which is neutral and non-polar, at codon 628 of the SLC6A5 protein (p.Met628Ile). This variant is present in population databases (no rsID available, gnomAD 0.007%). This variant has not been reported in the literature in individuals affected with SLC6A5-related conditions. ClinVar contains an entry for this variant (Variation ID: 1402212). Advanced modeling of protein sequence and biophysical properties (such as structural, functional, and spatial information, amino acid conservation, physicochemical variation, residue mobility, and thermodynamic stability) performed at Invitae indicates that this missense variant is not expected to disrupt SLC6A5 protein function with a negative predictive value of 80%. In summary, the available evidence is currently insufficient to determine the role of this variant in disease. Therefore, it has been classified as a Variant of Uncertain Significance.

Ambry Genetics
Classification: Uncertain significance for Inborn genetic diseases. Last evaluated: 2023-12-11. Review status: criteria provided, single submitter. Criteria: Ambry Variant Classification Scheme 2023. Collection method: clinical testing. Allele origin: germline.